The following is an entry in ClinVar:

NM_000350.3(ABCA4):c.4523G>T (p.Gly1508Val)

Gene: ABCA4 (ATP binding cassette subfamily A member 4; minus strand). Cytogenetic location: 1p22.1.
Variant type: single nucleotide variant.
Coding change: c.4523G>T on transcript NM_000350.3 (MANE Select); coding-DNA position 4523, G replaced by T.
Protein change: p.Gly1508Val; replaces glycine 1508 with valine.
Molecular consequence: missense variant.
Genome position (GRCh38, 1-based): chr1:94,029,461, C>A on the plus strand (G>T on the coding strand, the complement: ABCA4 is on the minus strand). VCF-style: chr1-94029461-C-A. GRCh37 (hg19) VCF-style: chr1-94495017-C-A.
Other names: c.4301G>T, p.Gly1434Val (NM_001425324.1); short protein forms G1508V, G1434V.
Identifiers: ClinVar variation 1467600 (VCV001467600.8), dbSNP rs2101033431, ClinGen allele CA341284787.

ClinVar aggregate classification (germline): Uncertain significance (1 of 4 stars; one submission).

Submission:

Labcorp Genetics (formerly Invitae), Labcorp
Classification: Uncertain significance. Last evaluated: 2022-06-13. Review status: criteria provided, single submitter. Criteria: Invitae Variant Classification Sherloc (09022015). Collection method: clinical testing. Allele origin: germline.
Comment: This sequence change replaces glycine, which is neutral and non-polar, with valine, which is neutral and non-polar, at codon 1508 of the ABCA4 protein (p.Gly1508Val). This variant is not present in population databases (gnomAD no frequency). This variant has not been reported in the literature in individuals affected with ABCA4-related conditions. Advanced modeling of protein sequence and biophysical properties (such as structural, functional, and spatial information, amino acid conservation, physicochemical variation, residue mobility, and thermodynamic stability) performed at Invitae indicates that this missense variant is expected to disrupt ABCA4 protein function. In summary, the available evidence is currently insufficient to determine the role of this variant in disease. Therefore, it has been classified as a Variant of Uncertain Significance.